The following is an entry in ClinVar:

NM_000039.3(APOA1):c.533C>T (p.Ala178Val)

Gene: APOA1 (apolipoprotein A1; minus strand). Cytogenetic location: 11q23.3.
Variant type: single nucleotide variant.
Coding change: c.533C>T on transcript NM_000039.3 (MANE Select); coding-DNA position 533, C replaced by T.
Protein change: p.Ala178Val; replaces alanine 178 with valine.
Molecular consequence: missense variant.
Genome position (GRCh38, 1-based): chr11:116,836,079, G>A on the plus strand (C>T on the coding strand, the complement: APOA1 is on the minus strand). VCF-style: chr11-116836079-G-A. GRCh37 (hg19) VCF-style: chr11-116706795-G-A.
Other names: c.533C>T, p.Ala178Val (NM_001318017.2, NM_001318018.2, NM_001425090.1); c.206C>T, p.Ala69Val (NM_001318021.2, NM_001425091.1, NM_001425092.1); c.488C>T, p.Ala163Val (NM_001425093.1); short protein forms A163V, A178V, A69V.
Identifiers: ClinVar variation 3414068 (VCV003414068.1).
Genomic context (GRCh38, chr11:116,836,079, plus strand): 5'-AAGCGCTGGCGCAGCTCGTCGCTGTAGGGGGCCAGATGCGTGCGCAGCGCGTCCACATGG[G>A]CGCGCGCGCGGTCGCGCATCTCCTCGCCCAGTGGGCTCAGCTTCTCTTGCAGCTCGTGCA-3'
Protein context (NP_000030.1, residues 168-188): LGEEMRDRAR[Ala178Val]HVDALRTHLA

ClinVar aggregate classification (germline): Uncertain significance (1 of 4 stars; one submission).

Conditions:
Cardiovascular phenotype. Identifiers: MedGen CN230736.

Submission:

Ambry Genetics
Classification: Uncertain significance for Cardiovascular phenotype. Last evaluated: 2024-09-20. Review status: criteria provided, single submitter. Criteria: Ambry Variant Classification Scheme 2023. Collection method: clinical testing. Allele origin: germline.
Comment: The p.A178V variant (also known as c.533C>T), located in coding exon 3 of the APOA1 gene, results from a C to T substitution at nucleotide position 533. The alanine at codon 178 is replaced by valine, an amino acid with similar properties. This amino acid position is conserved. In addition, this alteration is predicted to be tolerated by in silico analysis. Based on the available evidence, the clinical significance of this variant remains unclear.